The following is an entry in ClinVar:

NM_001097577.3(ANG):c.418G>A (p.Asp140Asn)

Genes: ANG (angiogenin; plus strand), EGILA (EGFR interacting lncRNA; minus strand), RNASE4 (ribonuclease A family member 4; plus strand). Cytogenetic location: 14q11.2.
Variant type: single nucleotide variant.
Coding change: c.418G>A on transcript NM_001097577.3 (MANE Select); coding-DNA position 418, G replaced by A.
Protein change: p.Asp140Asn; replaces aspartic acid 140 with asparagine.
Molecular consequence: missense variant. On other transcripts: intron variant (4).
Genome position (GRCh38, 1-based): chr14:20,693,982, G>A. VCF-style: chr14-20693982-G-A. GRCh37 (hg19) VCF-style: chr14-21162141-G-A.
Other names: c.418G>A, p.Asp140Asn (NM_001145.4, NM_001385271.1, NM_001385272.1 and 2 more transcripts); c.-18+332G>A (NM_001282192.2); c.-17-5373G>A (NM_002937.5, NM_001282193.2); c.-18+5108G>A (NM_194431.3); short protein forms D140N.
Identifiers: ClinVar variation 2124024 (VCV002124024.4), dbSNP rs769960079, ClinGen allele CA389117556.
Genomic context (GRCh38, chr14:20,693,982, plus strand): 5'-GCCACAGCGGGGTTCAGAAACGTTGTTGTTGCTTGTGAAAATGGCTTACCTGTCCACTTG[G>A]ATCAGTCAATTTTCCGTCGTCCGTAACCAGCGGGCCCCTGGTCAAGTGCTGGCTCTGCTG-3'
Protein context (NP_001091046.1, residues 130-147): ACENGLPVHL[Asp140Asn]QSIFRRP

ClinVar aggregate classification (germline): Uncertain significance (1 of 4 stars; one submission).

gnomAD v4.1: 2 of 1,614,058 alleles (0.00012%); highest among the groups gnomAD compares: Non-Finnish European, 0.00017%; no homozygotes.

Submission:

Labcorp Genetics (formerly Invitae), Labcorp
Classification: Uncertain significance. Last evaluated: 2022-04-10. Review status: criteria provided, single submitter. Criteria: Invitae Variant Classification Sherloc (09022015). Collection method: clinical testing. Allele origin: germline.
Comment: This sequence change replaces aspartic acid, which is acidic and polar, with asparagine, which is neutral and polar, at codon 140 of the ANG protein (p.Asp140Asn). In summary, the available evidence is currently insufficient to determine the role of this variant in disease. Therefore, it has been classified as a Variant of Uncertain Significance. Algorithms developed to predict the effect of missense changes on protein structure and function are either unavailable or do not agree on the potential impact of this missense change (SIFT: "Deleterious"; PolyPhen-2: "Probably Damaging"; Align-GVGD: "Class C15"). This variant has not been reported in the literature in individuals affected with ANG-related conditions. This variant is not present in population databases (gnomAD no frequency).